The following is an entry in ClinVar:

ClinVar aggregate classification (germline): Likely benign (0 of 4 stars; one submission).

Conditions:
EDAR-related disorder. Also called: EDAR-related condition.

gnomAD v4.1: 2 of 1,611,922 alleles (0.00012%); highest among the groups gnomAD compares: Non-Finnish European, 0.00017%; no homozygotes.

Submission:

PreventionGenetics, part of Exact Sciences
Classification: Likely benign for EDAR-related condition. Last evaluated: 2019-09-12. Review status: no assertion criteria provided. Collection method: clinical testing. Allele origin: germline.
Comment: This variant is classified as likely benign based on ACMG/AMP sequence variant interpretation guidelines (Richards et al. 2015 PMID: 25741868, with internal and published modifications).

NM_022336.4(EDAR):c.1338T>A (p.Ala446=)

Genes: EDAR (ectodysplasin A receptor; minus strand), RANBP2 (RAN binding protein 2; plus strand). Cytogenetic location: 2q13.
Variant type: single nucleotide variant.
Coding change: c.1338T>A on transcript NM_022336.4 (MANE Select); coding-DNA position 1338, T replaced by A.
Protein change: p.Ala446=; no amino-acid change (alanine 446 retained).
Molecular consequence: synonymous variant.
Genome position (GRCh38, 1-based): chr2:108,896,916, A>T on the plus strand (T>A on the coding strand, the complement: EDAR is on the minus strand). VCF-style: chr2-108896916-A-T. GRCh37 (hg19) VCF-style: chr2-109513372-A-T.
Identifiers: ClinVar variation 3039813 (VCV003039813.2), dbSNP rs192939679, ClinGen allele CA428203865.